The following is an entry in ClinVar:

ClinVar aggregate classification (germline): Likely benign (1 of 4 stars; one submission).

Allele frequency attached by ClinVar (database versions not stated): gnomAD exomes below 0.00001 and 0.00001; ExAC 0.00001; gnomAD 0.00003; ESP Exome Variant Server 0.00008; TOPMed 0.00009.
gnomAD v4.1: 8 of 1,590,050 alleles (0.0005%); highest among the groups gnomAD compares: African/African-American, 0.0054%; no homozygotes.

Submission:

GeneDx
Classification: Likely benign. Last evaluated: 2016-11-30. Review status: criteria provided, single submitter. Criteria: GeneDx Variant Classification (06012015). Collection method: clinical testing. Allele origin: germline. Affected: yes.
Comment: This variant is considered likely benign or benign based on one or more of the following criteria: it is a conservative change, it occurs at a poorly conserved position in the protein, it is predicted to be benign by multiple in silico algorithms, and/or has population frequency not consistent with disease.

NM_001271.4(CHD2):c.2973+11A>G

Genes: CHD2 (chromodomain helicase DNA binding protein 2; plus strand), LOC126862230 (P300/CBP strongly-dependent group 1 enhancer GRCh37_chr15:93523977-93525176; plus strand). Cytogenetic location: 15q26.1.
Variant type: single nucleotide variant.
Coding change: c.2973+11A>G on transcript NM_001271.4 (MANE Select); 11 bases into the intron after coding-DNA position 2973, A replaced by G.
Molecular consequence: intron variant.
Genome position (GRCh38, 1-based): chr15:92,980,922, A>G. VCF-style: chr15-92980922-A-G. GRCh37 (hg19) VCF-style: chr15-93524152-A-G.
Identifiers: ClinVar variation 391154 (VCV000391154.1), dbSNP rs373385231, ClinGen allele CA7748104.